The following is an entry in ClinVar:

ClinVar aggregate classification (germline): Uncertain significance. Review status: criteria provided, single submitter (1 of 4 stars). 2 submissions from 2 submitters: Uncertain significance (1). 1 of the submissions does not count toward it. Last evaluated 2026-04-16.

Conditions:
COL4A1-related disorder. Also called: COL4A1-related disorders; COL4A1-related condition. Identifiers: MedGen CN376119, MONDO:0800461.

Submissions (2):

GeneDx
Classification: Uncertain significance. Last evaluated: 2026-04-16. Review status: criteria provided, single submitter. Criteria: GeneDx Variant Classification Process June 2021. Collection method: clinical testing. Allele origin: germline.
Comment: Has not been previously published as pathogenic or benign to our knowledge; Not observed at significant frequency in large population cohorts (gnomAD); In silico analysis supports a deleterious effect on splicing

PreventionGenetics, part of Exact Sciences
Classification: Uncertain significance for COL4A1-related condition. Last evaluated: 2023-12-11. Review status: no assertion criteria provided. Collection method: clinical testing. Allele origin: germline. Not counted in ClinVar's aggregate classification.
Comment: The COL4A1 c.84+2dupT variant is predicted to result in an intronic duplication. To our knowledge, this variant has not been reported in the literature or in a large population database, indicating this variant is rare. Loss of function variants have not been reported upstream of this variant. One downstream splicing variant c.85-1G>A has been reported in a patient with porencephaly (Itai et al. 2021. PubMed ID: 32732225). Although we suspect that this variant may be pathogenic, at this time, the clinical significance of this variant is uncertain due to the absence of conclusive functional and genetic evidence.

NM_001845.6(COL4A1):c.84+2dup

Gene: COL4A1 (collagen type IV alpha 1 chain; minus strand). Cytogenetic location: 13q34.
Variant type: Duplication.
Coding change: c.84+2dup on transcript NM_001845.6 (MANE Select); the canonical splice donor site of the intron after coding-DNA position 84, one base duplicated (T; older notation c.84+2dupT).
Molecular consequence: splice donor variant.
Genome position (GRCh38, 1-based): chr13:110,306,942, A duplicated on the plus strand (T on the coding strand, the reverse complement: COL4A1 is on the minus strand). VCF-style (leftmost placement, unchanged base first): chr13-110306941-C-CA. GRCh37 (hg19) VCF-style: chr13-110959288-C-CA.
Other names: c.84+2dup (NM_001303110.2).
Identifiers: ClinVar variation 3032369 (VCV003032369.3), dbSNP rs2501838318, ClinGen allele CA2740097699.